The following is an entry in ClinVar:

NM_000202.8(IDS):c.806A>C (p.Asp269Ala)

Genes: IDS (iduronate 2-sulfatase; minus strand), LOC106050102 (IDS recombination region; plus strand). Cytogenetic location: Xq28.
Variant type: single nucleotide variant.
Coding change: c.806A>C on transcript NM_000202.8 (MANE Select); coding-DNA position 806, A replaced by C.
Protein change: p.Asp269Ala; replaces aspartic acid 269 with alanine.
Molecular consequence: missense variant. On other transcripts: non-coding transcript variant (1).
Genome position (GRCh38, 1-based): chrX:149,496,419, T>G on the plus strand (A>C on the coding strand, the complement: IDS is on the minus strand). VCF-style: chrX-149496419-T-G. GRCh37 (hg19) VCF-style: chrX-148577950-T-G.
Other names: c.536A>C, p.Asp179Ala (NM_001166550.4); c.806A>C, p.Asp269Ala (NM_006123.5); short protein forms D179A, D269A.
Identifiers: ClinVar variation 3255852 (VCV003255852.2).
Genomic context (GRCh38, chrX:149,496,419, plus strand): 5'-GGAATTGGACCATACGGCACACTGATGTTTAAGGCTTGGACGTCTTCCCGTTGCCTGATG[T>G]CCATCCAGGGGTTGTAGGCCACAGGGGGTAGGCCATCAGGGACCTCGGGATCGGGGGCCA-3'
Protein context (NP_000193.1, residues 259-279): LPPVAYNPWM[Asp269Ala]IRQREDVQAL

ClinVar aggregate classification (germline): Likely pathogenic (1 of 4 stars; one submission).

Conditions:
Mucopolysaccharidosis, MPS-II (MPS2). Also called: Hunter Syndrome; IDURONATE 2-SULFATASE DEFICIENCY; Mucopolysaccharidosis Type II; Mucopolysaccharidosis type 2; Attenuated MPS (subtype; formerly known as mild MPS II); Severe MPS II. Identifiers: Orphanet 580, Orphanet 79388, MedGen C0026705, MONDO:0010674, OMIM 309900.

Submission:

Laboratory of Diagnosis and Therapy of Lysosomal Disorders, University of Padova
Classification: Likely pathogenic for Mucopolysaccharidosis, MPS-II. Last evaluated: 2024-06-07. Review status: criteria provided, single submitter. Criteria: ACMG Guidelines, 2015. Collection method: literature only. Allele origin: germline. Affected: yes. Observed: 1 variant allele.
Comment: Absent from controls (or at low frequency) in gnomAD database (PM2_Moderate), Missense variant in a gene with a low rate of benign missense variation (PP2_Supporting), Multiple lines of computational evidence support a deleterious effect (PP3_Supporting), Patient’s phenotype or family history highly specific for the disease (PP4_Strong)

Classification method: ACMG Guidelines [PMID:25741868] with modifications

Literature cited by the submitters: PubMed 36713083.